The following is an entry in ClinVar:

ClinVar aggregate classification (germline): Pathogenic (1 of 4 stars; one submission).

Submission:

Labcorp Genetics (formerly Invitae), Labcorp
Classification: Pathogenic. Last evaluated: 2021-09-07. Review status: criteria provided, single submitter. Criteria: Invitae Variant Classification Sherloc (09022015). Collection method: clinical testing. Allele origin: germline.
Comment: For these reasons, this variant has been classified as Pathogenic. This variant has not been reported in the literature in individuals affected with NSD1-related conditions. This variant is not present in population databases (ExAC no frequency). This sequence change creates a premature translational stop signal (p.Met1525Cysfs*49) in the NSD1 gene. It is expected to result in an absent or disrupted protein product. Loss-of-function variants in NSD1 are known to be pathogenic (PMID: 12464997, 14571271, 15942875, 16247291).

Literature cited by the submitters: PubMed 12464997; PubMed 14571271; PubMed 15942875; PubMed 16247291.

NM_022455.5(NSD1):c.4569del (p.Met1525fs)

Gene: NSD1 (nuclear receptor binding SET domain protein 1; plus strand). Cytogenetic location: 5q35.3.
Variant type: Deletion.
Coding change: c.4569del on transcript NM_022455.5 (MANE Select); coding-DNA position 4569, one base deleted (C; older notation c.4569delC).
Protein change: p.Met1525fs; shifts the reading frame from methionine 1525.
Molecular consequence: frameshift variant.
Genome position (GRCh38, 1-based): chr5:177,248,252, C deleted; the last of 3 consecutive C bases (chr5:177,248,250-177,248,252); deleting any one gives the same sequence. VCF-style (leftmost placement, unchanged base first): chr5-177248249-TC-T. GRCh37 (hg19) VCF-style: chr5-176675250-TC-T.
Other names: c.3696delC, p.Met1234Cysfs (NM_001365684.2, NM_001409306.1, NM_001409307.1 and 3 more transcripts); c.4569delC, p.Met1525Cysfs (NM_001409301.1, NM_001409302.1, NM_001409303.1); c.4149delC, p.Met1385Cysfs (NM_001409304.1); c.3816delC, p.Met1274Cysfs (NM_001409305.1); short protein forms M1525fs, M1256fs.
Identifiers: ClinVar variation 1389227 (VCV001389227.6), dbSNP rs2149899647, ClinGen allele CA2573139466.